The following is an entry in ClinVar:

ClinVar aggregate classification (germline): Uncertain significance (1 of 4 stars; one submission).

Conditions:
Primary ciliary dyskinesia. Also called: Ciliary dyskinesia. Identifiers: Orphanet 244, MedGen C0008780, MONDO:0016575, HP:0012265.

Submission:

Labcorp Genetics (formerly Invitae), Labcorp
Classification: Uncertain significance for Primary ciliary dyskinesia. Last evaluated: 2021-09-09. Review status: criteria provided, single submitter. Criteria: Invitae Variant Classification Sherloc (09022015). Collection method: clinical testing. Allele origin: germline.
Comment: In summary, the available evidence is currently insufficient to determine the role of this variant in disease. Therefore, it has been classified as a Variant of Uncertain Significance. Advanced modeling of protein sequence and biophysical properties (such as structural, functional, and spatial information, amino acid conservation, physicochemical variation, residue mobility, and thermodynamic stability) performed at Invitae indicates that this missense variant is not expected to disrupt DNAH5 protein function. This variant has not been reported in the literature in individuals affected with DNAH5-related conditions. This variant is not present in population databases (ExAC no frequency). This sequence change replaces isoleucine with leucine at codon 1837 of the DNAH5 protein (p.Ile1837Leu). The isoleucine residue is moderately conserved and there is a small physicochemical difference between isoleucine and leucine.

NM_001369.3(DNAH5):c.5509A>C (p.Ile1837Leu)

Gene: DNAH5 (dynein axonemal heavy chain 5; minus strand). Cytogenetic location: 5p15.2.
Variant type: single nucleotide variant.
Coding change: c.5509A>C on transcript NM_001369.3 (MANE Select); coding-DNA position 5509, A replaced by C.
Protein change: p.Ile1837Leu; replaces isoleucine 1837 with leucine.
Molecular consequence: missense variant.
Genome position (GRCh38, 1-based): chr5:13,841,106, T>G on the plus strand (A>C on the coding strand, the complement: DNAH5 is on the minus strand). VCF-style: chr5-13841106-T-G. GRCh37 (hg19) VCF-style: chr5-13841215-T-G.
Other names: short protein forms I1837L.
Identifiers: ClinVar variation 1518221 (VCV001518221.6), dbSNP rs2151860552, ClinGen allele CA359210227.
Genomic context (GRCh38, chr5:13,841,106, plus strand): 5'-GCATGATTTTTTTATCAAACTTGGCATTTCTAAGGGCTTCTTCTGAATCCCGTGTCCATA[T>G]CATCTGAATTCCTAATAATCCAACCTTATGGAAATAAAAAAGGCTTCATGAATTTGTATG-3'
Protein context (NP_001360.1, residues 1827-1847): AQVGLLGIQM[Ile1837Leu]WTRDSEEALR